The following is an entry in ClinVar:

ClinVar aggregate classification (germline): Uncertain significance. Review status: criteria provided, multiple submitters, no conflicts (2 of 4 stars). 2 submissions from 2 submitters: Uncertain significance (2). Last evaluated 2025-10-01.

Allele frequency attached by ClinVar (database versions not stated): gnomAD exomes below 0.00001; TOPMed 0.00002.

Submissions (2):

Labcorp Genetics (formerly Invitae), Labcorp
Classification: Uncertain significance. Last evaluated: 2025-10-01. Review status: criteria provided, single submitter. Criteria: Invitae Variant Classification Sherloc (09022015). Collection method: clinical testing. Allele origin: germline.
Comment: This sequence change replaces isoleucine, which is neutral and non-polar, with phenylalanine, which is neutral and non-polar, at codon 303 of the CNGA3 protein (p.Ile303Phe). This variant is present in population databases (no rsID available, gnomAD 0.0009%). This variant has not been reported in the literature in individuals affected with CNGA3-related conditions. ClinVar contains an entry for this variant (Variation ID: 866910). Invitae Evidence Modeling of protein sequence and biophysical properties (such as structural, functional, and spatial information, amino acid conservation, physicochemical variation, residue mobility, and thermodynamic stability) has been performed for this missense variant. However, the output from this modeling did not meet the statistical confidence thresholds required to predict the impact of this variant on CNGA3 protein function. In summary, the available evidence is currently insufficient to determine the role of this variant in disease. Therefore, it has been classified as a Variant of Uncertain Significance.

Blueprint Genetics
Classification: Uncertain significance. Last evaluated: 2017-11-13. Review status: criteria provided, single submitter. Criteria: ACMG Guidelines, 2015. Collection method: clinical testing. Allele origin: germline.

NM_001298.3(CNGA3):c.907A>T (p.Ile303Phe)

Gene: CNGA3 (cyclic nucleotide gated channel subunit alpha 3; plus strand). Cytogenetic location: 2q11.2.
Variant type: single nucleotide variant.
Coding change: c.907A>T on transcript NM_001298.3 (MANE Select); coding-DNA position 907, A replaced by T.
Protein change: p.Ile303Phe; replaces isoleucine 303 with phenylalanine.
Molecular consequence: missense variant.
Genome position (GRCh38, 1-based): chr2:98,396,077, A>T. VCF-style: chr2-98396077-A-T. GRCh37 (hg19) VCF-style: chr2-99012540-A-T.
Other names: c.853A>T, p.Ile285Phe (NM_001079878.2); short protein forms I285F, I303F.
Identifiers: ClinVar variation 866910 (VCV000866910.4), dbSNP rs1305790956, ClinGen allele CA347832401.